The following is an entry in ClinVar:

ClinVar aggregate classification (germline): Uncertain significance. Review status: criteria provided, multiple submitters, no conflicts (2 of 4 stars). 2 submissions from 2 submitters: Uncertain significance (2). Last evaluated 2025-01-26.

Conditions:
Inborn genetic diseases. Identifiers: MedGen C0950123, MeSH D030342.
Pyruvate carboxylase deficiency. Also called: Pyruvate Carboxylase Deficiency Disease; LEIGH NECROTIZING ENCEPHALOPATHY DUE TO PYRUVATE CARBOXYLASE DEFICIENCY; LEIGH SYNDROME DUE TO PYRUVATE CARBOXYLASE DEFICIENCY; ATAXIA WITH LACTIC ACIDOSIS II; PC DEFICIENCY. Identifiers: Orphanet 3008, MedGen C0034341, MONDO:0009949, OMIM 266150.

Allele frequency attached by ClinVar (database versions not stated): gnomAD exomes below 0.00001 and 0.00001; ExAC 0.00001; gnomAD 0.00002; TOPMed 0.00002.
gnomAD v4.1: 12 of 1,613,858 alleles (0.00074%); highest among the groups gnomAD compares: African/African-American, 0.0053%; no homozygotes.

Submissions (2):

Ambry Genetics
Classification: Uncertain significance for Inborn genetic diseases. Last evaluated: 2025-01-26. Review status: criteria provided, single submitter. Criteria: Ambry Variant Classification Scheme 2023. Collection method: clinical testing. Allele origin: germline.

Labcorp Genetics (formerly Invitae), Labcorp
Classification: Uncertain significance for Pyruvate carboxylase deficiency. Last evaluated: 2022-10-17. Review status: criteria provided, single submitter. Criteria: Invitae Variant Classification Sherloc (09022015). Collection method: clinical testing. Allele origin: germline.
Comment: This sequence change replaces aspartic acid, which is acidic and polar, with asparagine, which is neutral and polar, at codon 903 of the PC protein (p.Asp903Asn). This variant is present in population databases (rs758910766, gnomAD 0.008%). This variant has not been reported in the literature in individuals affected with PC-related conditions. ClinVar contains an entry for this variant (Variation ID: 1429327). Advanced modeling of protein sequence and biophysical properties (such as structural, functional, and spatial information, amino acid conservation, physicochemical variation, residue mobility, and thermodynamic stability) has been performed at Invitae for this missense variant, however the output from this modeling did not meet the statistical confidence thresholds required to predict the impact of this variant on PC protein function. In summary, the available evidence is currently insufficient to determine the role of this variant in disease. Therefore, it has been classified as a Variant of Uncertain Significance.

NM_001040716.2(PC):c.2707G>A (p.Asp903Asn)

Gene: PC (pyruvate carboxylase; minus strand). Cytogenetic location: 11q13.2.
Variant type: single nucleotide variant.
Coding change: c.2707G>A on transcript NM_001040716.2 (MANE Select); coding-DNA position 2707, G replaced by A.
Protein change: p.Asp903Asn; replaces aspartic acid 903 with asparagine.
Molecular consequence: missense variant.
Genome position (GRCh38, 1-based): chr11:66,850,231, C>T on the plus strand (G>A on the coding strand, the complement: PC is on the minus strand). VCF-style: chr11-66850231-C-T. GRCh37 (hg19) VCF-style: chr11-66617702-C-T.
Other names: c.2707G>A, p.Asp903Asn (NM_000920.4, NM_022172.3); c.2707G>A (NM_000920.3); short protein forms D903N.
Identifiers: ClinVar variation 1429327 (VCV001429327.4), dbSNP rs758910766, ClinGen allele CA6131010.